The following is an entry in ClinVar:

ClinVar aggregate classification (germline): Pathogenic (1 of 4 stars; one submission).

Submission:

Labcorp Genetics (formerly Invitae), Labcorp
Classification: Pathogenic. Last evaluated: 2022-03-03. Review status: criteria provided, single submitter. Criteria: Invitae Variant Classification Sherloc (09022015). Collection method: clinical testing. Allele origin: germline.
Comment: This variant is not present in population databases (gnomAD no frequency). This missense change has been observed in individual(s) with maturity-onset diabetes of the young 3 (Invitae). In at least one individual the variant was observed to be de novo. Advanced modeling of protein sequence and biophysical properties (such as structural, functional, and spatial information, amino acid conservation, physicochemical variation, residue mobility, and thermodynamic stability) performed at Invitae indicates that this missense variant is expected to disrupt HNF1A protein function. For these reasons, this variant has been classified as Pathogenic. This sequence change replaces histidine, which is basic and polar, with arginine, which is basic and polar, at codon 126 of the HNF1A protein (p.His126Arg).

NM_000545.8(HNF1A):c.377A>G (p.His126Arg)

Gene: HNF1A (HNF1 homeobox A; plus strand). Cytogenetic location: 12q24.31.
Variant type: single nucleotide variant.
Coding change: c.377A>G on transcript NM_000545.8 (MANE Select); coding-DNA position 377, A replaced by G.
Protein change: p.His126Arg; replaces histidine 126 with arginine.
Molecular consequence: missense variant.
Genome position (GRCh38, 1-based): chr12:120,988,883, A>G. VCF-style: chr12-120988883-A-G. GRCh37 (hg19) VCF-style: chr12-121426686-A-G.
Other names: c.377A>G, p.His126Arg (NM_001306179.2, NM_001406915.1); short protein forms H126R.
Identifiers: ClinVar variation 2149072 (VCV002149072.4), dbSNP rs2499987520, ClinGen allele CA386959280.